The following is an entry in ClinVar:

NM_002968.3(SALL1):c.1069G>A (p.Ala357Thr)

Gene: SALL1 (spalt like transcription factor 1; minus strand). Cytogenetic location: 16q12.1.
Variant type: single nucleotide variant.
Coding change: c.1069G>A on transcript NM_002968.3 (MANE Select); coding-DNA position 1069, G replaced by A.
Protein change: p.Ala357Thr; replaces alanine 357 with threonine.
Molecular consequence: missense variant.
Genome position (GRCh38, 1-based): chr16:51,141,153, C>T on the plus strand (G>A on the coding strand, the complement: SALL1 is on the minus strand). VCF-style: chr16-51141153-C-T. GRCh37 (hg19) VCF-style: chr16-51175064-C-T.
Other names: c.778G>A, p.Ala260Thr (NM_001127892.2); short protein forms A260T, A357T.
Identifiers: ClinVar variation 1331135 (VCV001331135.2), dbSNP rs2143447690, ClinGen allele CA395889716.

ClinVar aggregate classification (germline): Uncertain significance (1 of 4 stars; one submission).

Submission:

GeneDx
Classification: Uncertain significance. Last evaluated: 2021-06-30. Review status: criteria provided, single submitter. Criteria: GeneDx Variant Classification Process June 2021. Collection method: clinical testing. Allele origin: germline. Affected: yes.
Comment: In silico analysis supports that this missense variant does not alter protein structure/function; Has not been previously published as pathogenic or benign to our knowledge; This variant is associated with the following publications: (PMID: 27535533)